The following is an entry in ClinVar:

ClinVar aggregate classification (germline): Uncertain significance. Review status: criteria provided, multiple submitters, no conflicts (2 of 4 stars). 4 submissions from 4 submitters: Uncertain significance (4). Last evaluated 2026-07-06.

Conditions:
Nephronophthisis 4 (NPHP4). Also called: NEPHRONOPHTHISIS 4, JUVENILE. Identifiers: Orphanet 655, MedGen C1847013, MONDO:0011752, OMIM 606966.
Senior-Loken syndrome 4 (SLSN4). Identifiers: Orphanet 3156, MedGen C1846979, MONDO:0011756, OMIM 606996.
NPHP4-related disorder. Also called: NPHP4-related disorders; NPHP4-related condition. Identifiers: MedGen CN239384.
Inborn genetic diseases. Identifiers: MedGen C0950123, MeSH D030342.
Nephronophthisis. Also called: Juvenile Nephronophthisis. Identifiers: Orphanet 655, MedGen C0687120, MONDO:0019005, HP:0000090.

Allele frequency attached by ClinVar (database versions not stated): gnomAD exomes 0.00001 and 0.00002; ExAC 0.00002; gnomAD 0.00002 and 0.00003; TOPMed 0.00003.
gnomAD v4.1: 24 of 1,613,838 alleles (0.0015%); highest among the groups gnomAD compares: African/African-American, 0.0027%; no homozygotes.

Submissions (4):

PreventionGenetics, part of Exact Sciences
Classification: Uncertain significance for NPHP4-related condition. Last evaluated: 2026-07-06. Review status: criteria provided, single submitter. Criteria: ACMG Guidelines, 2015. Collection method: clinical testing. Allele origin: germline.
Comment: The NPHP4 c.3268G>A variant is predicted to result in the amino acid substitution p.Ala1090Thr. To our knowledge, this variant has not been reported in the literature. This variant is reported in 0.0046% of alleles in individuals of European (Finnish) descent in gnomAD. At this time, the clinical significance of this variant is uncertain due to the absence of conclusive functional and genetic evidence.

Labcorp Genetics (formerly Invitae), Labcorp
Classification: Uncertain significance for Nephronophthisis. Last evaluated: 2025-08-21. Review status: criteria provided, single submitter. Criteria: Invitae Variant Classification Sherloc (09022015). Collection method: clinical testing. Allele origin: germline.
Comment: This sequence change replaces alanine, which is neutral and non-polar, with threonine, which is neutral and polar, at codon 1090 of the NPHP4 protein (p.Ala1090Thr). This variant is present in population databases (rs573269001, gnomAD 0.004%). This variant has not been reported in the literature in individuals affected with NPHP4-related conditions. ClinVar contains an entry for this variant (Variation ID: 1438761). Invitae Evidence Modeling of protein sequence and biophysical properties (such as structural, functional, and spatial information, amino acid conservation, physicochemical variation, residue mobility, and thermodynamic stability) indicates that this missense variant is not expected to disrupt NPHP4 protein function with a negative predictive value of 80%. In summary, the available evidence is currently insufficient to determine the role of this variant in disease. Therefore, it has been classified as a Variant of Uncertain Significance.

Fulgent Genetics
Classification: Uncertain significance for Nephronophthisis 4; Senior-Loken syndrome 4. Last evaluated: 2024-06-19. Review status: criteria provided, single submitter. Criteria: ACMG Guidelines, 2015. Collection method: clinical testing. Allele origin: germline.

Ambry Genetics
Classification: Uncertain significance for Inborn genetic diseases. Last evaluated: 2022-01-18. Review status: criteria provided, single submitter. Criteria: Ambry Variant Classification Scheme 2023. Collection method: clinical testing. Allele origin: germline.

NM_015102.5(NPHP4):c.3268G>A (p.Ala1090Thr)

Gene: NPHP4 (nephrocystin 4; minus strand). Cytogenetic location: 1p36.31.
Variant type: single nucleotide variant.
Coding change: c.3268G>A on transcript NM_015102.5 (MANE Select); coding-DNA position 3268, G replaced by A.
Protein change: p.Ala1090Thr; replaces alanine 1090 with threonine.
Molecular consequence: missense variant. On other transcripts: non-coding transcript variant (1).
Genome position (GRCh38, 1-based): chr1:5,873,299, C>T on the plus strand (G>A on the coding strand, the complement: NPHP4 is on the minus strand). VCF-style: chr1-5873299-C-T. GRCh37 (hg19) VCF-style: chr1-5933359-C-T.
Other names: c.1729G>A, p.Ala577Thr (NM_001291593.2); c.1732G>A, p.Ala578Thr (NM_001291594.2); c.3268G>A (NM_015102.3, NM_015102.4); short protein forms A1090T, A577T, A578T.
Identifiers: ClinVar variation 1438761 (VCV001438761.8), dbSNP rs573269001, ClinGen allele CA553722.